The following is an entry in ClinVar:

ClinVar aggregate classification (germline): Benign/Likely benign. Review status: criteria provided, multiple submitters, no conflicts (2 of 4 stars). 4 submissions from 4 submitters: Benign (1); Likely benign (2). 1 of the submissions does not count toward it. Last evaluated 2026-01-26.

Conditions:
Autoimmune lymphoproliferative syndrome, type III caused by mutation in PRKCD. Identifiers: Orphanet 3261, Orphanet 664711, MedGen C3809928, MONDO:8000024, OMIM 615559.
PRKCD-related disorder. Also called: PRKCD-related condition.

Allele frequency attached by ClinVar (database versions not stated): ESP Exome Variant Server 0.00369; 1000 Genomes Project 0.00419; gnomAD 0.00429; TOPMed 0.00448; 1000 Genomes Project 30x 0.00468.
gnomAD v4.1: 1,208 of 1,613,766 alleles (0.075%); highest among the groups gnomAD compares: African/African-American, 1.4%; 5 homozygotes.

Submissions (4):

Labcorp Genetics (formerly Invitae), Labcorp
Classification: Benign for Autoimmune lymphoproliferative syndrome, type III caused by mutation in PRKCD. Last evaluated: 2026-01-26. Review status: criteria provided, single submitter. Criteria: Invitae Variant Classification Sherloc (09022015). Collection method: clinical testing. Allele origin: germline.

CeGaT Center for Human Genetics Tuebingen
Classification: Likely benign. Last evaluated: 2025-02-01. Review status: criteria provided, single submitter. Criteria: CeGaT Center For Human Genetics Tuebingen Variant Classification Criteria Version 2. Collection method: clinical testing. Allele origin: germline. Affected: yes. Observed: 1 variant allele.
Comment: PRKCD: BP4, BS1

Blueprint Genetics
Classification: Likely benign. Last evaluated: 2024-08-16. Review status: criteria provided, single submitter. Criteria: ACMG Guidelines, 2015. Collection method: clinical testing. Allele origin: germline.

PreventionGenetics, part of Exact Sciences
Classification: Benign for PRKCD-related condition. Last evaluated: 2019-06-25. Review status: no assertion criteria provided. Collection method: clinical testing. Allele origin: germline. Not counted in ClinVar's aggregate classification.
Comment: This variant is classified as benign based on ACMG/AMP sequence variant interpretation guidelines (Richards et al. 2015 PMID: 25741868, with internal and published modifications).

NM_006254.4(PRKCD):c.1554+8G>A

Gene: PRKCD (protein kinase C delta; plus strand). Cytogenetic location: 3p21.1.
Variant type: single nucleotide variant.
Coding change: c.1554+8G>A on transcript NM_006254.4 (MANE Select); 8 bases into the intron after coding-DNA position 1554, G replaced by A.
Molecular consequence: intron variant.
Genome position (GRCh38, 1-based): chr3:53,188,866, G>A. VCF-style: chr3-53188866-G-A. GRCh37 (hg19) VCF-style: chr3-53222882-G-A.
Other names: c.1554+8G>A (NM_001354680.2, NM_001354679.2, NM_212539.2 and 1 more transcripts); c.1611+8G>A (NM_001354676.2); c.1602+8G>A (NM_001354678.2).
Identifiers: ClinVar variation 716710 (VCV000716710.26), dbSNP rs141412493, ClinGen allele CA2452214.
Genomic context (GRCh38, chr3:53,188,866, plus strand): 5'-GGGAGAGCCGGGCCAGCACCTTCTGCGGCACCCCTGACTATATCGCCCCTGAGGTGAGCC[G>A]ATACCCTTCCAGCCCCCCGCTCAGTCAGGCACCTTGCCTCCCCACGGTGGGCCAGGGAAG-3'